The following is an entry in ClinVar:

ClinVar aggregate classification (germline): Benign (1 of 4 stars; one submission).

Conditions:
Obesity due to SIM1 deficiency. Identifiers: Orphanet 369873, MedGen C5191050, MONDO:0018244.

Allele frequency attached by ClinVar (database versions not stated): gnomAD exomes 0.00062; gnomAD 0.00655 and 0.00701; TOPMed 0.00773; 1000 Genomes Project 0.00839; 1000 Genomes Project 30x 0.00984.
gnomAD v4.1: 1,705 of 1,252,092 alleles (0.14%); highest among the groups gnomAD compares: African/African-American, 2.3%; 18 homozygotes.

Submission:

Illumina Laboratory Services, Illumina
Classification: Benign for Obesity due to SIM1 deficiency. Last evaluated: 2018-01-12. Review status: criteria provided, single submitter. Criteria: ICSL Variant Classification Criteria 13 December 2019. Collection method: clinical testing. Allele origin: germline.
Comment: This variant was observed in the ICSL laboratory as part of a predisposition screen in an ostensibly healthy population. It had not been previously curated by ICSL or reported in the Human Gene Mutation Database (HGMD: prior to June 1st, 2018), and was therefore a candidate for classification through an automated scoring system. Utilizing variant allele frequency, disease prevalence and penetrance estimates, and inheritance mode, an automated score was calculated to assess if this variant is too frequent to cause the disease. Based on the score and internal cut-off values, a variant classified as benign is not then subjected to further curation. The score for this variant resulted in a classification of benign for this disease.

NM_005068.3(SIM1):c.-90C>A

Gene: SIM1 (SIM bHLH transcription factor 1; minus strand). Cytogenetic location: 6q16.3.
Variant type: single nucleotide variant.
Coding change: c.-90C>A on transcript NM_005068.3 (MANE Select); 90 bases upstream of the start codon, C replaced by A.
Molecular consequence: 5 prime UTR variant.
Genome position (GRCh38, 1-based): chr6:100,463,558, G>T on the plus strand (C>A on the coding strand, the complement: SIM1 is on the minus strand). VCF-style: chr6-100463558-G-T. GRCh37 (hg19) VCF-style: chr6-100911434-G-T.
Other names: c.-90C>A (NM_001374769.1).
Identifiers: ClinVar variation 904788 (VCV000904788.4), dbSNP rs114664173, ClinGen allele CA143974594.
Genomic context (GRCh38, chr6:100,463,558, plus strand): 5'-CTTAAGCTCCGCAGATTCATCCAAAACCAAAAATAAACTTTCAATTAGAGATCATATTTG[G>T]CAAAAACATAAAACATACTTTGAATAAAGAGGCTGAAGTATTTGCACCAAGAACAGTGTA-3'